The following is an entry in ClinVar:

ClinVar aggregate classification (germline): Uncertain significance. Review status: criteria provided, multiple submitters, no conflicts (2 of 4 stars). 3 submissions from 3 submitters: Uncertain significance (3). Last evaluated 2026-09-01.

Conditions:
Hypophosphatasia. Also called: Phosphoethanol-aminuria. Identifiers: Orphanet 436, MedGen C0020630, MeSH D007014, MONDO:0018570.
Adult hypophosphatasia. Identifiers: Orphanet 247676, Orphanet 436, MedGen C0268413, MONDO:1010154, OMIM 146300, MONDO:0007798.
Childhood hypophosphatasia. Identifiers: Orphanet 247667, Orphanet 436, MedGen C0220743, MONDO:1010168, OMIM 241510, MONDO:0009428.
Infantile hypophosphatasia. Identifiers: Orphanet 247651, Orphanet 436, MedGen C0268412, MONDO:1010169, OMIM 241500, MONDO:0009427.

Submissions (3):

Genomenon, Inc
Classification: Uncertain significance for Hypophosphatasia. Last evaluated: 2026-09-01. Review status: criteria provided, single submitter. Criteria: Genomenon Sequence Variant Interpretation Standards - Updated. Collection method: curation. Allele origin: germline. Affected: no.
Comment: ALPL p.Tyr436Ser (c.1307A>C) is a missense variant that changes the amino acid at codon 436 from Tyrosine to Serine. This variant has been reported in the published literature (PMID:21956185). It is absent or not present at a significant frequency in gnomAD. In silico models predict that this variant is possibly or probably damaging. In conclusion, we classify ALPL p.Tyr436Ser (c.1307A>C) as a variant of uncertain significance.

JKU Lab, Dept of Paediatrics, Johannes Kepler University
Classification: Uncertain significance for Hypophosphatasia. Last evaluated: 2025-02-27. Review status: criteria provided, single submitter. Criteria: ACMG Guidelines, 2015. Collection method: curation, in vitro. Allele origin: germline, not applicable. Functional consequence: decreased enzyme activity.
Comment: This missense variant is present in GnomAD 4.1 (unreported frequency) and affects a highly conserved amino acid in the crown domain. The variant is not predicted to affect protein function (REVEL score: 0.659). Splice-prediction algorithms predict no effect on splicing. In vitro functional studies showed reduced ALP activity without a dominant negative effect. This variant has been reported in the literature in individuals affected by ALPL-related conditions (PMID: 21956185). The results of the functional testing and the applied ACMG criteria can be viewed at an online resource

Fulgent Genetics
Classification: Uncertain significance for Adult hypophosphatasia; Infantile hypophosphatasia; Childhood hypophosphatasia. Last evaluated: 2021-12-26. Review status: criteria provided, single submitter. Criteria: ACMG Guidelines, 2015. Collection method: clinical testing. Allele origin: unknown.

Literature cited by the submitters: PubMed 21956185 (cited by Genomenon, Inc and JKU Lab, Dept of Paediatrics, Johannes Kepler University).

NM_000478.6(ALPL):c.1307A>C (p.Tyr436Ser)

Gene: ALPL (alkaline phosphatase, biomineralization associated; plus strand). Cytogenetic location: 1p36.12.
Variant type: single nucleotide variant.
Coding change: c.1307A>C on transcript NM_000478.6 (MANE Select); coding-DNA position 1307, A replaced by C.
Protein change: p.Tyr436Ser; replaces tyrosine 436 with serine.
Molecular consequence: missense variant.
Genome position (GRCh38, 1-based): chr1:21,576,639, A>C. VCF-style: chr1-21576639-A-C. GRCh37 (hg19) VCF-style: chr1-21903132-A-C.
Other names: c.1142A>C, p.Tyr381Ser (NM_001127501.4); c.1076A>C, p.Tyr359Ser (NM_001177520.3); c.1307A>C, p.Tyr436Ser (NM_001369803.2, NM_001369804.2, NM_001369805.2); short protein forms Y359S, Y381S, Y436S.
Identifiers: ClinVar variation 1686653 (VCV001686653.5), dbSNP rs1644741692, ClinGen allele CA338881905.